The following is an entry in ClinVar:

ClinVar aggregate classification (germline): Uncertain significance (1 of 4 stars; one submission).

Conditions:
Parkinsonian-pyramidal syndrome. Also called: PARKINSON DISEASE 15, AUTOSOMAL RECESSIVE; PARKINSON DISEASE 15, AUTOSOMAL RECESSIVE EARLY-ONSET; PALLIDOPYRAMIDAL SYNDROME. Identifiers: Orphanet 171695, MedGen C1850100, MONDO:0009830, OMIM 260300.

Allele frequency attached by ClinVar (database versions not stated): ExAC 0.00001; gnomAD 0.00002; TOPMed 0.00003; gnomAD exomes 0.00007.
gnomAD v4.1: 97 of 1,614,066 alleles (0.006%); highest among the groups gnomAD compares: Admixed American, 0.01%; no homozygotes.

Submission:

Labcorp Genetics (formerly Invitae), Labcorp
Classification: Uncertain significance for Parkinsonian-pyramidal syndrome. Last evaluated: 2022-05-22. Review status: criteria provided, single submitter. Criteria: Invitae Variant Classification Sherloc (09022015). Collection method: clinical testing. Allele origin: germline.
Comment: This sequence change replaces asparagine, which is neutral and polar, with aspartic acid, which is acidic and polar, at codon 86 of the FBXO7 protein (p.Asn86Asp). This variant is present in population databases (rs759929611, gnomAD 0.01%). This variant has not been reported in the literature in individuals affected with FBXO7-related conditions. Algorithms developed to predict the effect of missense changes on protein structure and function are either unavailable or do not agree on the potential impact of this missense change (SIFT: "Tolerated"; PolyPhen-2: "Possibly Damaging"; Align-GVGD: "Class C0"). In summary, the available evidence is currently insufficient to determine the role of this variant in disease. Therefore, it has been classified as a Variant of Uncertain Significance.

NM_012179.4(FBXO7):c.256A>G (p.Asn86Asp)

Gene: FBXO7 (F-box protein 7; plus strand). Cytogenetic location: 22q12.3.
Variant type: single nucleotide variant.
Coding change: c.256A>G on transcript NM_012179.4 (MANE Select); coding-DNA position 256, A replaced by G.
Protein change: p.Asn86Asp; replaces asparagine 86 with aspartic acid.
Molecular consequence: missense variant. On other transcripts: 5 prime UTR variant (1), intron variant (1).
Genome position (GRCh38, 1-based): chr22:32,479,114, A>G. VCF-style: chr22-32479114-A-G. GRCh37 (hg19) VCF-style: chr22-32875101-A-G.
Other names: c.-87A>G (NM_001257990.2); c.38-19A>G (NM_001033024.2); short protein forms N86D.
Identifiers: ClinVar variation 2045619 (VCV002045619.1), dbSNP rs759929611, ClinGen allele CA10201377.
Genomic context (GRCh38, chr22:32,479,114, plus strand): 5'-TATGGGATTGTTTCTGGGGACTTGATATGTTTGATTCTTCAAGATGACATTCCAGCGCCT[A>G]ATATACCTTCATCCACAGATTCAGAGCATTCTTCACTCCAGAATAATGAGCAACCCTCTT-3'
Protein context (NP_036311.3, residues 76-96): LILQDDIPAP[Asn86Asp]IPSSTDSEHS